The following is an entry in ClinVar:

ClinVar aggregate classification (germline): Conflicting classifications of pathogenicity. Review status: criteria provided, conflicting classifications (1 of 4 stars). 5 submissions from 5 submitters: Uncertain significance (2); Likely benign (1). 2 of the submissions do not count toward it. Last evaluated 2026-03-01.

Conditions:
Cohen syndrome (COH1). Also called: Cutis verticis gyrata, retinitis pigmentosa, and sensorineural deafness; PEPPER SYNDROME. Identifiers: Orphanet 193, MedGen C0265223, MONDO:0008999, OMIM 216550.
VPS13B-related disorder. Also called: VPS13B-related condition.

Allele frequency attached by ClinVar (database versions not stated): gnomAD exomes 0.00006; ExAC 0.00009; ESP Exome Variant Server 0.00015; TOPMed 0.00015; 1000 Genomes Project 30x 0.00016; gnomAD 0.00016; 1000 Genomes Project 0.00020.
gnomAD v4.1: 48 of 1,612,222 alleles (0.003%); highest among the groups gnomAD compares: African/African-American, 0.052%; no homozygotes.

Submissions (5):

CeGaT Center for Human Genetics Tuebingen
Classification: Uncertain significance. Last evaluated: 2026-03-01. Review status: criteria provided, single submitter. Criteria: CeGaT Center For Human Genetics Tuebingen Variant Classification Criteria Version 2. Collection method: clinical testing. Allele origin: germline. Affected: yes. Observed: 1 variant allele.
Comment: VPS13B: PM2, BP4

Labcorp Genetics (formerly Invitae), Labcorp
Classification: Uncertain significance for Cohen syndrome. Last evaluated: 2024-09-10. Review status: criteria provided, single submitter. Criteria: Invitae Variant Classification Sherloc (09022015). Collection method: clinical testing. Allele origin: germline.
Comment: This sequence change falls in intron 30 of the VPS13B gene. It does not directly change the encoded amino acid sequence of the VPS13B protein. It affects a nucleotide within the consensus splice site. This variant is present in population databases (rs199884841, gnomAD 0.05%). This variant has not been reported in the literature in individuals affected with VPS13B-related conditions. ClinVar contains an entry for this variant (Variation ID: 968448). Variants that disrupt the consensus splice site are a relatively common cause of aberrant splicing (PMID: 17576681, 9536098). Algorithms developed to predict the effect of sequence changes on RNA splicing suggest that this variant is not likely to affect RNA splicing. In summary, the available evidence is currently insufficient to determine the role of this variant in disease. Therefore, it has been classified as a Variant of Uncertain Significance.

Blueprint Genetics
Classification: Likely benign. Last evaluated: 2024-03-21. Review status: criteria provided, single submitter. Criteria: ACMG Guidelines, 2015. Collection method: clinical testing. Allele origin: germline.

PreventionGenetics, part of Exact Sciences
Classification: Likely benign for VPS13B-related condition. Last evaluated: 2022-02-25. Review status: no assertion criteria provided. Collection method: clinical testing. Allele origin: germline. Not counted in ClinVar's aggregate classification.
Comment: This variant is classified as likely benign based on ACMG/AMP sequence variant interpretation guidelines (Richards et al. 2015 PMID: 25741868, with internal and published modifications).

Natera, Inc.
Classification: Uncertain significance for Cohen syndrome. Last evaluated: 2020-02-13. Review status: no assertion criteria provided. Collection method: clinical testing. Allele origin: germline. Not counted in ClinVar's aggregate classification.

Literature cited by the submitters: PubMed 17576681 (cited by Labcorp Genetics (formerly Invitae), Labcorp); PubMed 9536098 (cited by Labcorp Genetics (formerly Invitae), Labcorp).

NM_152564.5(VPS13B):c.4746-3C>A

Gene: VPS13B (vacuolar protein sorting 13 homolog B; plus strand). Cytogenetic location: 8q22.2.
Variant type: single nucleotide variant.
Coding change: c.4746-3C>A on transcript NM_152564.5 (MANE Select); 3 bases into the intron before coding-DNA position 4746, C replaced by A.
Molecular consequence: intron variant.
Genome position (GRCh38, 1-based): chr8:99,556,447, C>A. VCF-style: chr8-99556447-C-A. GRCh37 (hg19) VCF-style: chr8-100568675-C-A.
Other names: c.4821-3C>A (NM_017890.5); c.4746-3C>A (NM_152564.4).
Identifiers: ClinVar variation 968448 (VCV000968448.15), dbSNP rs199884841, ClinGen allele CA4823654.